The following is an entry in ClinVar:

ClinVar aggregate classification (germline): Uncertain significance. Review status: criteria provided, multiple submitters, no conflicts (2 of 4 stars). 4 submissions from 4 submitters: Uncertain significance (4). Last evaluated 2025-12-01.

Conditions:
Cardiovascular phenotype. Identifiers: MedGen CN230736.
Noonan syndrome 4 (NS4). Also called: SOS1-Related Noonan Syndrome; NOONAN SYNDROME WITH PIGMENTED VILLONODULAR SYNOVITIS. Identifiers: Orphanet 648, MedGen C1853120, MONDO:0012547, OMIM 610733.

Allele frequency attached by ClinVar (database versions not stated): TOPMed 0.00001.
gnomAD v4.1: 8 of 1,613,828 alleles (0.0005%); highest among the groups gnomAD compares: Non-Finnish European, 0.00068%; no homozygotes.

Submissions (4):

CeGaT Center for Human Genetics Tuebingen
Classification: Uncertain significance. Last evaluated: 2025-12-01. Review status: criteria provided, single submitter. Criteria: CeGaT Center For Human Genetics Tuebingen Variant Classification Criteria Version 2. Collection method: clinical testing. Allele origin: germline. Affected: yes. Observed: 1 variant allele.
Comment: SOS1: PM2

Ambry Genetics
Classification: Uncertain significance for Cardiovascular phenotype. Last evaluated: 2025-11-26. Review status: criteria provided, single submitter. Criteria: Ambry Variant Classification Scheme 2023. Collection method: clinical testing. Allele origin: germline.

GeneDx
Classification: Uncertain significance. Last evaluated: 2025-03-11. Review status: criteria provided, single submitter. Criteria: GeneDx Variant Classification Process June 2021. Collection method: clinical testing. Allele origin: germline. Affected: yes.
Comment: Not observed at significant frequency in large population cohorts (gnomAD); Missense variants in this gene are a common cause of disease and they are underrepresented in the general population; In silico analysis indicates that this missense variant does not alter protein structure/function; Has not been previously published as pathogenic or benign to our knowledge

St. Jude Molecular Pathology, St. Jude Children's Research Hospital
Classification: Uncertain significance for Noonan syndrome 4. Last evaluated: 2023-01-24. Review status: criteria provided, single submitter. Criteria: St. Jude Assertion Criteria 2020. Collection method: clinical testing. Allele origin: germline.
Comment: The SOS1 c.1698G>C (p.Gln566His) missense change is absent in gnomAD v2.1.1. The in silico tool REVEL is inconclusive about a pathogenic or benign effect of this variant on protein function, and to our knowledge functional studies have not been performed. To our knowledge, this variant has not been reported in individuals with Noonan syndrome. In summary, the evidence currently available is insufficient to determine the clinical significance of this variant. It has therefore been classified as of uncertain significance.

NM_005633.4(SOS1):c.1698G>C (p.Gln566His)

Gene: SOS1 (SOS Ras/Rac guanine nucleotide exchange factor 1; minus strand). Cytogenetic location: 2p22.1.
Variant type: single nucleotide variant.
Coding change: c.1698G>C on transcript NM_005633.4 (MANE Select); coding-DNA position 1698, G replaced by C.
Protein change: p.Gln566His; replaces glutamine 566 with histidine.
Molecular consequence: missense variant.
Genome position (GRCh38, 1-based): chr2:39,022,730, C>G on the plus strand (G>C on the coding strand, the complement: SOS1 is on the minus strand). VCF-style: chr2-39022730-C-G. GRCh37 (hg19) VCF-style: chr2-39249871-C-G.
Other names: c.1677G>C, p.Gln559His (NM_001382394.1); c.1698G>C, p.Gln566His (NM_001382395.1); short protein forms Q559H, Q566H.
Identifiers: ClinVar variation 2444869 (VCV002444869.7), dbSNP rs1313575751, ClinGen allele CA346365589.